The following is an entry in ClinVar:

NM_000138.5(FBN1):c.7604_7605delinsTG (p.Cys2535Leu)

Gene: FBN1 (fibrillin 1; minus strand). Cytogenetic location: 15q21.1.
Variant type: Indel.
Coding change: c.7604_7605delinsTG on transcript NM_000138.5 (MANE Select); coding-DNA positions 7604 to 7605, GC replaced by TG.
Protein change: p.Cys2535Leu; replaces cysteine 2535 with leucine.
Molecular consequence: missense variant.
Genome position (GRCh38, 1-based): chr15:48,421,652-48,421,653, GC replaced by CA on the plus strand (GC replaced by TG on the coding strand, the reverse complement: FBN1 is on the minus strand). VCF-style: chr15-48421652-GC-CA. GRCh37 (hg19) VCF-style: chr15-48713849-GC-CA.
Other names: c.7604_7605delinsTG, p.Cys2535Leu (NM_001406716.1); short protein forms C2535L.
Identifiers: ClinVar variation 2953042 (VCV002953042.3), dbSNP rs2505398111, ClinGen allele CA2740096616.

ClinVar aggregate classification (germline): Likely pathogenic (1 of 4 stars; one submission).

Conditions:
Marfan syndrome (MFS). Also called: MARFAN SYNDROME, TYPE I; Marfan syndrome type 1; Marfan's syndrome; Marfan syndrome, classic; FBN1-Related Marfan Syndrome. Identifiers: Orphanet 284963, Orphanet 558, MedGen C0024796, MONDO:0007947, OMIM 154700.
Familial thoracic aortic aneurysm and aortic dissection (TAAD). Also called: Thoracic aortic aneurysms and dissections. Identifiers: Orphanet 91387, MedGen C4707243, MONDO:0019625.

Submission:

Labcorp Genetics (formerly Invitae), Labcorp
Classification: Likely pathogenic for Marfan syndrome; Familial thoracic aortic aneurysm and aortic dissection. Last evaluated: 2023-10-18. Review status: criteria provided, single submitter. Criteria: Invitae Variant Classification Sherloc (09022015). Collection method: clinical testing. Allele origin: germline.
Comment: This sequence change replaces cysteine, which is neutral and slightly polar, with leucine, which is neutral and non-polar, at codon 2535 of the FBN1 protein (p.Cys2535Leu). Information on the frequency of this variant in the gnomAD database is not available, as this variant may be reported differently in the database. This missense change has been observed in individual(s) with clinical features of Marfan syndrome (Invitae). An algorithm developed to predict the effect of missense changes on protein structure and function (PolyPhen-2) suggests that this variant is likely to be disruptive. This variant affects a cysteine residue in the EGF-like, TGFBP or hybrid motif domains of FBN1. Cysteine residues are believed to be involved in intramolecular disulfide bridges and have been shown to be important for FBN1 protein structure (PMID: 16905551, 19349279). In addition, missense substitutions affecting cysteine residues within these domains are significantly overrepresented among patients with Marfan syndrome (PMID: 16571647, 17701892). This variant disrupts the p.Cys2535 amino acid residue in FBN1. Other variant(s) that disrupt this residue have been observed in individuals with FBN1-related conditions (PMID: 16222657, 24941995; Invitae), which suggests that this may be a clinically significant amino acid residue. In summary, the currently available evidence indicates that the variant is pathogenic, but additional data are needed to prove that conclusively. Therefore, this variant has been classified as Likely Pathogenic.

Literature cited by the submitters: PubMed 16905551; PubMed 19349279; PubMed 16571647; PubMed 17701892; PubMed 16222657; PubMed 24941995.